The following is an entry in ClinVar:

ClinVar aggregate classification (germline): Conflicting classifications of pathogenicity. Review status: criteria provided, conflicting classifications (1 of 4 stars). 5 submissions from 5 submitters: Uncertain significance (2); Likely benign (1). 2 of the submissions do not count toward it. Last evaluated 2026-01-28.

Conditions:
Epidermolysis bullosa dystrophica. Also called: Dystrophic epidermolysis bullosa, Hallopeau-Siemens type (formerly); Dystrophic epidermolysis bullosa. Identifiers: Orphanet 303, MedGen C0079294, MONDO:0006543.

Allele frequency attached by ClinVar (database versions not stated): gnomAD 0.00023 and 0.00026; TOPMed 0.00023; gnomAD exomes 0.00024 and 0.00028; ESP Exome Variant Server 0.00031; ExAC 0.00039.
gnomAD v4.1: 384 of 1,614,018 alleles (0.024%); highest among the groups gnomAD compares: East Asian, 0.067%; no homozygotes.

Submissions (5):

Labcorp Genetics (formerly Invitae), Labcorp
Classification: Likely benign. Last evaluated: 2026-01-28. Review status: criteria provided, single submitter. Criteria: Invitae Variant Classification Sherloc (09022015). Collection method: clinical testing. Allele origin: germline.

Women's Health and Genetics/Laboratory Corporation of America, LabCorp
Classification: Uncertain significance. Last evaluated: 2023-02-15. Review status: criteria provided, single submitter. Criteria: LabCorp Variant Classification Summary - May 2015. Collection method: clinical testing. Allele origin: germline.
Comment: Variant summary: COL7A1 c.1348C>T (p.Arg450Cys) results in a non-conservative amino acid change located in the 3rd fibronectin type III repeat (IPR003961) of the encoded protein sequence. Four of five in-silico tools predict a damaging effect of the variant on protein function. The variant allele was found at a frequency of 0.00028 (i.e. in 70 carriers) in 251298 control chromosomes (gnomAD). The high occurrence in heterozygotes makes the variant unlikely to be associated with a dominant disease, but cannot rule out the association with Recessive Dystrophic Epidermolysis Bullosa. To our knowledge, no occurrence of c.1348C>T in individuals affected with Dystrophic Epidermolysis Bullosa, and no experimental evidence demonstrating its impact on protein function have been reported. Two clinical diagnostic laboratories have submitted clinical-significance assessments for this variant to ClinVar after 2014 without evidence for independent evaluation. One laboratory classified the variant as likely benign, and one laboratory classified the variant as uncertain significance. Based on the evidence outlined above, the variant was classified as VUS-possibly benign.

Illumina Laboratory Services, Illumina
Classification: Uncertain significance for Dystrophic epidermolysis bullosa. Last evaluated: 2018-01-12. Review status: criteria provided, single submitter. Criteria: ICSL Variant Classification Criteria 13 December 2019. Collection method: clinical testing. Allele origin: germline.

Diagnostic Laboratory, Department of Genetics, University Medical Center Groningen
Classification: Uncertain significance. Review status: no assertion criteria provided. Collection method: clinical testing. Allele origin: germline. Affected: yes. Study: VKGL Data-share Consensus. Not counted in ClinVar's aggregate classification.

Genome Diagnostics Laboratory, Amsterdam University Medical Center
Classification: Uncertain significance. Review status: no assertion criteria provided. Collection method: clinical testing. Allele origin: germline. Affected: yes. Study: VKGL Data-share Consensus. Not counted in ClinVar's aggregate classification.

NM_000094.4(COL7A1):c.1348C>T (p.Arg450Cys)

Gene: COL7A1 (collagen type VII alpha 1 chain; minus strand). Cytogenetic location: 3p21.31.
Variant type: single nucleotide variant.
Coding change: c.1348C>T on transcript NM_000094.4 (MANE Select); coding-DNA position 1348, C replaced by T.
Protein change: p.Arg450Cys; replaces arginine 450 with cysteine.
Molecular consequence: missense variant.
Genome position (GRCh38, 1-based): chr3:48,591,907, G>A on the plus strand (C>T on the coding strand, the complement: COL7A1 is on the minus strand). VCF-style: chr3-48591907-G-A. GRCh37 (hg19) VCF-style: chr3-48629340-G-A.
Other names: short protein forms R450C.
Identifiers: ClinVar variation 345878 (VCV000345878.15), dbSNP rs139434755, ClinGen allele CA2381245.